The following is an entry in ClinVar:

NM_001378120.1(MBD5):c.114-2A>T

Gene: MBD5 (methyl-CpG binding domain protein 5; plus strand). Cytogenetic location: 2q23.1.
Variant type: single nucleotide variant.
Coding change: c.114-2A>T on transcript NM_001378120.1 (MANE Select); the canonical splice acceptor site of the intron before coding-DNA position 114, A replaced by T.
Molecular consequence: splice acceptor variant.
Genome position (GRCh38, 1-based): chr2:148,462,580, A>T. VCF-style: chr2-148462580-A-T. GRCh37 (hg19) VCF-style: chr2-149220149-A-T.
Other names: c.114-2A>T (NM_018328.5).
Identifiers: ClinVar variation 658842 (VCV000658842.9), dbSNP rs1574451881, ClinGen allele CA348716062.

ClinVar aggregate classification (germline): Likely pathogenic (1 of 4 stars; one submission).

Conditions:
Intellectual developmental disorder, autosomal dominant 1. Also called: Intellectual disability, autosomal dominant 1; MBD5 Haploinsufficiency. Identifiers: Orphanet 228402, MedGen C1969562, MONDO:0007974, OMIM 156200.

Submission:

Labcorp Genetics (formerly Invitae), Labcorp
Classification: Likely pathogenic for Intellectual developmental disorder, autosomal dominant 1. Last evaluated: 2018-11-24. Review status: criteria provided, single submitter. Criteria: Invitae Variant Classification Sherloc (09022015). Collection method: clinical testing. Allele origin: germline.
Comment: In summary, the currently available evidence indicates that the variant is pathogenic, but additional data are needed to prove that conclusively. Therefore, this variant has been classified as Likely Pathogenic. Donor and acceptor splice site variants typically lead to a loss of protein function (PMID: 16199547), and loss-of-function variants in MBD5 are known to be pathogenic (PMID: 23422940, 23587880). This variant is not present in population databases (ExAC no frequency). This sequence change affects an acceptor splice site in intron 6 of the MBD5 gene. It is expected to disrupt RNA splicing and likely results in an absent or disrupted protein product.

Literature cited by the submitters: PubMed 16199547; PubMed 23422940; PubMed 23587880.